The following is an entry in ClinVar:

ClinVar aggregate classification (germline): Uncertain significance. Review status: criteria provided, multiple submitters, no conflicts (2 of 4 stars). 3 submissions from 3 submitters: Uncertain significance (3). Last evaluated 2025-01-22.

Allele frequency attached by ClinVar (database versions not stated): ExAC 0.00002; gnomAD 0.00002 and 0.00001; TOPMed 0.00001; gnomAD exomes 0.00002 and 0.00005.
gnomAD v4.1: 68 of 1,613,820 alleles (0.0042%); highest among the groups gnomAD compares: Non-Finnish European, 0.0057%; no homozygotes.

Submissions (3):

Athena Diagnostics
Classification: Uncertain significance. Last evaluated: 2025-01-22. Review status: criteria provided, single submitter. Criteria: Athena Diagnostics Criteria. Collection method: clinical testing. Allele origin: unknown.
Comment: Available data are insufficient to determine the clinical significance of the variant at this time. The frequency of this variant in the general population is uninformative in assessment of its pathogenicity. Polyphen and MutationTaster predict this amino acid change may be benign.

Laboratory for Molecular Medicine, Mass General Brigham Personalized Medicine
Classification: Uncertain significance. Last evaluated: 2024-02-06. Review status: criteria provided, single submitter. Criteria: ACMG Guidelines, 2015. Collection method: clinical testing. Allele origin: germline.
Comment: proposed classification - variant undergoing re-assessment, contact laboratory

Revvity Omics, Revvity
Classification: Uncertain significance. Last evaluated: 2022-05-12. Review status: criteria provided, single submitter. Criteria: ACMG Guidelines, 2015. Collection method: clinical testing. Allele origin: germline.

NM_001267550.2(TTN):c.27217G>C (p.Val9073Leu)

Gene: TTN (titin; minus strand). Cytogenetic location: 2q31.2.
Variant type: single nucleotide variant.
Coding change: c.27217G>C on transcript NM_001267550.2 (MANE Select); coding-DNA position 27217, G replaced by C.
Protein change: p.Val9073Leu; replaces valine 9073 with leucine.
Molecular consequence: missense variant. On other transcripts: intron variant (3).
Genome position (GRCh38, 1-based): chr2:178,712,808, C>G on the plus strand (G>C on the coding strand, the complement: TTN is on the minus strand). VCF-style: chr2-178712808-C-G. GRCh37 (hg19) VCF-style: chr2-179577535-C-G.
Other names: c.27217G>C (NM_001267550.1); c.23485G>C, p.Val7829Leu (NM_133378.4); c.26266G>C, p.Val8756Leu (NM_001256850.1); c.13282+25274G>C (NM_003319.4); c.13858+25274G>C (NM_133437.4); c.13657+25274G>C (NM_133432.3); short protein forms V7829L, V9073L, V8756L.
Identifiers: ClinVar variation 229406 (VCV000229406.10), dbSNP rs756400799, ClinGen allele CA1999849.